The following is an entry in ClinVar:

NM_001080517.3(SETD5):c.3257del (p.Gly1086fs)

Gene: SETD5 (SET domain containing 5; plus strand). Cytogenetic location: 3p25.3.
Variant type: Deletion.
Coding change: c.3257del on transcript NM_001080517.3 (MANE Select); coding-DNA position 3257, one base deleted (G; older notation c.3257delG).
Protein change: p.Gly1086fs; shifts the reading frame from glycine 1086.
Molecular consequence: frameshift variant.
Genome position (GRCh38, 1-based): chr3:9,473,297, G deleted; the last of 5 consecutive G bases (chr3:9,473,293-9,473,297); deleting any one gives the same sequence. VCF-style (leftmost placement, unchanged base first): chr3-9473292-TG-T. GRCh37 (hg19) VCF-style: chr3-9514976-TG-T.
Other names: c.2963del, p.Gly988fs (NM_001292043.2, NM_001349451.2); short protein forms G1086fs, G988fs.
Identifiers: ClinVar variation 2268551 (VCV002268551.2), dbSNP rs2473891225, ClinGen allele CA2580070734.

ClinVar aggregate classification (germline): Pathogenic (1 of 4 stars; one submission).

Conditions:
Inborn genetic diseases. Identifiers: MedGen C0950123, MeSH D030342.

Submission:

Ambry Genetics
Classification: Pathogenic for Inborn genetic diseases. Last evaluated: 2021-12-28. Review status: criteria provided, single submitter. Criteria: Ambry Variant Classification Scheme 2023. Collection method: clinical testing. Allele origin: germline.
Comment: The c.3257delG (p.G1086Efs*58) alteration, located in exon 20 (coding exon 18) of the SETD5 gene, consists of a deletion of one nucleotide at position 3257, causing a translational frameshift with a predicted alternate stop codon after 58 amino acids. This alteration is expected to result in loss of function by premature protein truncation or nonsense-mediated mRNA decay. This variant was not reported in population-based cohorts in the Genome Aggregation Database (gnomAD). Based on the available evidence, this alteration is classified as pathogenic.